The following is an entry in ClinVar:

NM_001376.5(DYNC1H1):c.8068G>A (p.Gly2690Arg)

Gene: DYNC1H1 (dynein cytoplasmic 1 heavy chain 1; plus strand). Cytogenetic location: 14q32.31.
Variant type: single nucleotide variant.
Coding change: c.8068G>A on transcript NM_001376.5 (MANE Select); coding-DNA position 8068, G replaced by A.
Protein change: p.Gly2690Arg; replaces glycine 2690 with arginine.
Molecular consequence: missense variant.
Genome position (GRCh38, 1-based): chr14:102,017,395, G>A. VCF-style: chr14-102017395-G-A. GRCh37 (hg19) VCF-style: chr14-102483732-G-A.
Other names: short protein forms G2690R.
Identifiers: ClinVar variation 539776 (VCV000539776.11), dbSNP rs1555410313, ClinGen allele CA391004220.

ClinVar aggregate classification (germline): Uncertain significance. Review status: criteria provided, multiple submitters, no conflicts (2 of 4 stars). 3 submissions from 3 submitters: Uncertain significance (3). Last evaluated 2024-03-02.

Conditions:
Charcot-Marie-Tooth disease axonal type 2O. Also called: CHARCOT-MARIE-TOOTH NEUROPATHY, AXONAL, TYPE 2O; CHARCOT-MARIE-TOOTH DISEASE, AXONAL, AUTOSOMAL DOMINANT, TYPE 2O; Charcot-Marie-Tooth Neuropathy Type 2O; Charcot-Marie-Tooth disease, axonal, type 20. Identifiers: Orphanet 284232, MedGen C3280220, MONDO:0013644, OMIM 614228.
DYNC1H1-related disorder. Also called: DYNC1H1-related condition; DYNC1H1-related disorders. Identifiers: MedGen CN381529.

Allele frequency attached by ClinVar (database versions not stated): gnomAD exomes below 0.00001.
gnomAD v4.1: 2 of 1,614,168 alleles (0.00012%); highest among the groups gnomAD compares: Non-Finnish European, 0.00017%; no homozygotes.

Submissions (3):

Labcorp Genetics (formerly Invitae), Labcorp
Classification: Uncertain significance for Charcot-Marie-Tooth disease axonal type 2O. Last evaluated: 2024-03-02. Review status: criteria provided, single submitter. Criteria: Invitae Variant Classification Sherloc (09022015). Collection method: clinical testing. Allele origin: germline.
Comment: This sequence change replaces glycine, which is neutral and non-polar, with arginine, which is basic and polar, at codon 2690 of the DYNC1H1 protein (p.Gly2690Arg). This variant is not present in population databases (gnomAD no frequency). This variant has not been reported in the literature in individuals affected with DYNC1H1-related conditions. ClinVar contains an entry for this variant (Variation ID: 539776). Advanced modeling of protein sequence and biophysical properties (such as structural, functional, and spatial information, amino acid conservation, physicochemical variation, residue mobility, and thermodynamic stability) has been performed at Invitae for this missense variant, however the output from this modeling did not meet the statistical confidence thresholds required to predict the impact of this variant on DYNC1H1 protein function. In summary, the available evidence is currently insufficient to determine the role of this variant in disease. Therefore, it has been classified as a Variant of Uncertain Significance.

PreventionGenetics, part of Exact Sciences
Classification: Uncertain significance for DYNC1H1-related condition. Last evaluated: 2022-09-26. Review status: criteria provided, single submitter. Criteria: ACMG Guidelines, 2015. Collection method: clinical testing. Allele origin: germline.
Comment: The DYNC1H1 c.8068G>A variant is predicted to result in the amino acid substitution p.Gly2690Arg. To our knowledge, this variant has not been reported in the literature or in a large population database, indicating this variant is rare. At this time, the clinical significance of this variant is uncertain due to the absence of conclusive functional and genetic evidence.

GeneDx
Classification: Uncertain significance. Last evaluated: 2019-01-07. Review status: criteria provided, single submitter. Criteria: GeneDx Variant Classification Process June 2021. Collection method: clinical testing. Allele origin: germline. Affected: yes.
Comment: Not observed in large population cohorts (Lek et al., 2016); In silico analysis, which includes protein predictors and evolutionary conservation, supports a deleterious effect; Has not been previously published as pathogenic or benign to our knowledge